The following is an entry in ClinVar:

NM_004006.3(DMD):c.10425C>G (p.Tyr3475Ter)

Gene: DMD (dystrophin; minus strand). Cytogenetic location: Xp21.2.
Variant type: single nucleotide variant.
Coding change: c.10425C>G on transcript NM_004006.3 (MANE Select); coding-DNA position 10425, C replaced by G.
Protein change: p.Tyr3475Ter; replaces tyrosine 3475 with a stop codon.
Molecular consequence: nonsense. On other transcripts: intron variant (2).
Genome position (GRCh38, 1-based): chrX:31,169,571, G>C on the plus strand (C>G on the coding strand, the complement: DMD is on the minus strand). VCF-style: chrX-31169571-G-C. GRCh37 (hg19) VCF-style: chrX-31187688-G-C.
Other names: c.10401C>G, p.Tyr3467Ter (NM_000109.4); c.10413C>G, p.Tyr3471Ter (NM_004009.3); c.10056C>G, p.Tyr3352Ter (NM_004010.3); c.6402C>G, p.Tyr2134Ter (NM_004011.4); c.6393C>G, p.Tyr2131Ter (NM_004012.4); c.3045C>G, p.Tyr1015Ter (NM_004013.3, NM_004021.3); c.2238C>G, p.Tyr746Ter (NM_004014.3); c.1221C>G, p.Tyr407Ter (NM_004015.3, NM_004016.3); and 3 more; short protein forms Y1002*, Y1015*, Y2131*, Y2134*, Y3352*, Y3467*, Y3471*, Y3475*.
Identifiers: ClinVar variation 1075347 (VCV001075347.7), dbSNP rs2148184732, ClinGen allele CA412652008.

ClinVar aggregate classification (germline): Pathogenic/Likely pathogenic. Review status: criteria provided, multiple submitters, no conflicts (2 of 4 stars). 2 submissions from 2 submitters: Pathogenic (1); Likely pathogenic (1). Last evaluated 2025-10-15.

Conditions:
X-linked DMD-related disorders.
Duchenne muscular dystrophy (DMD). Also called: MUSCULAR DYSTROPHY, PSEUDOHYPERTROPHIC PROGRESSIVE, DUCHENNE TYPE; Duchenne Muscular Dystrophy (DMD). Identifiers: Orphanet 98896, MedGen C0013264, MONDO:0010679, OMIM 310200.

Submissions (2):

Variantyx, Inc.
Classification: Likely pathogenic for X-linked DMD-related disorders. Last evaluated: 2025-10-15. Review status: criteria provided, single submitter. Criteria: Variantyx Assertion Criteria 2022. Collection method: clinical testing. Allele origin: maternal. Inheritance: X-linked recessive inheritance. Affected: no.
Comment: This is a nonsense variant in the DMD gene (OMIM: 300377). Pathogenic variants in this gene have been associated with X-linked DMD-related disorders. This variant introduces a premature termination codon in exon 74 out of 79 and is expected to result in loss of function, which is a known disease mechanism for DMD in this disorder (PMID: 16770791, 25007885) (PVS1). This variant is absent from control populations (PM2). Based on the current evidence, this variant is classified as likely pathogenic for X-linked DMD-related disorders.

Labcorp Genetics (formerly Invitae), Labcorp
Classification: Pathogenic for Duchenne muscular dystrophy. Last evaluated: 2025-09-15. Review status: criteria provided, single submitter. Criteria: Invitae Variant Classification Sherloc (09022015). Collection method: clinical testing. Allele origin: germline.
Comment: This sequence change creates a premature translational stop signal (p.Tyr3475*) in the DMD gene. It is expected to result in an absent or disrupted protein product. Loss-of-function variants in DMD are known to be pathogenic (PMID: 16770791, 25007885). This variant is not present in population databases (gnomAD no frequency). This variant has not been reported in the literature in individuals affected with DMD-related conditions. ClinVar contains an entry for this variant (Variation ID: 1075347). Algorithms developed to predict the effect of sequence changes on RNA splicing suggest that this variant may disrupt the consensus splice site. For these reasons, this variant has been classified as Pathogenic.

Literature cited by the submitters: PubMed 16770791 (cited by Variantyx, Inc. and Labcorp Genetics (formerly Invitae), Labcorp); PubMed 25007885 (cited by Variantyx, Inc. and Labcorp Genetics (formerly Invitae), Labcorp).